The following is an entry in ClinVar:

NM_001277115.2(DNAH11):c.858A>G (p.Glu286=)

Gene: DNAH11 (dynein axonemal heavy chain 11; plus strand). Cytogenetic location: 7p15.3.
Variant type: single nucleotide variant.
Coding change: c.858A>G on transcript NM_001277115.2 (MANE Select); coding-DNA position 858, A replaced by G.
Protein change: p.Glu286=; no amino-acid change (glutamic acid 286 retained).
Molecular consequence: synonymous variant.
Genome position (GRCh38, 1-based): chr7:21,559,768, A>G. VCF-style: chr7-21559768-A-G. GRCh37 (hg19) VCF-style: chr7-21599386-A-G.
Identifiers: ClinVar variation 226589 (VCV000226589.17), dbSNP rs185273259, ClinGen allele CA4178800.

ClinVar aggregate classification (germline): Benign/Likely benign. Review status: criteria provided, multiple submitters, no conflicts (2 of 4 stars). 4 submissions from 4 submitters: Benign (3); Likely benign (1). Last evaluated 2026-01-26.

Conditions:
Primary ciliary dyskinesia. Also called: Ciliary dyskinesia. Identifiers: Orphanet 244, MedGen C0008780, MONDO:0016575, HP:0012265.

Allele frequency attached by ClinVar (database versions not stated): gnomAD exomes 0.00052 and 0.00117; ExAC 0.00234; 1000 Genomes Project 0.00419; gnomAD 0.00504 and 0.00558; 1000 Genomes Project 30x 0.00531; ESP Exome Variant Server 0.00571; TOPMed 0.00589.
gnomAD v4.1: 1,538 of 1,603,446 alleles (0.096%); highest among the groups gnomAD compares: African/African-American, 1.9%; 16 homozygotes.

Submissions (4):

Labcorp Genetics (formerly Invitae), Labcorp
Classification: Benign for Primary ciliary dyskinesia. Last evaluated: 2026-01-26. Review status: criteria provided, single submitter. Criteria: Invitae Variant Classification Sherloc (09022015). Collection method: clinical testing. Allele origin: germline.

Blueprint Genetics
Classification: Likely benign. Last evaluated: 2024-08-28. Review status: criteria provided, single submitter. Criteria: ACMG Guidelines, 2015. Collection method: clinical testing. Allele origin: germline.

Laboratory for Molecular Medicine, Mass General Brigham Personalized Medicine
Classification: Benign. Last evaluated: 2013-02-21. Review status: criteria provided, single submitter. Criteria: LMM Criteria. Collection method: clinical testing. Allele origin: germline. Observed: 2 variant alleles.
Comment: Glu286Glu in exon 4 of DNAH11: This variant is not expected to have clinical sig nificance because it does not alter an amino acid residue and is not located wit hin the splice consensus sequence. It has been identified in 1.8% (68/3724) of A frican American chromosomes from a broad population by the NHLBI Exome Sequencin g Project (dbSNP rs185273259).

PreventionGenetics, part of Exact Sciences
Classification: Benign. Review status: criteria provided, single submitter. Criteria: ACMG Guidelines, 2015. Collection method: clinical testing. Allele origin: germline.